The following is an entry in ClinVar:

ClinVar aggregate classification (germline): Uncertain significance (1 of 4 stars; one submission).

Conditions:
Evans syndrome, immunodeficiency, and premature immunosenescence associated with tripeptidyl-peptidase II deficiency. Identifiers: MedGen CN231723. Disease mechanism: loss of function.

Submission:

Labcorp Genetics (formerly Invitae), Labcorp
Classification: Uncertain significance for Evans syndrome, immunodeficiency, and premature immunosenescence associated with tripeptidyl-peptidase II deficiency. Last evaluated: 2019-10-06. Review status: criteria provided, single submitter. Criteria: Invitae Variant Classification Sherloc (09022015). Collection method: clinical testing. Allele origin: germline.
Comment: This sequence change replaces glycine with serine at codon 288 of the TPP2 protein (p.Gly288Ser). The glycine residue is highly conserved and there is a small physicochemical difference between glycine and serine. This variant is not present in population databases (ExAC no frequency). This variant has not been reported in the literature in individuals with TPP2-related conditions. Algorithms developed to predict the effect of missense changes on protein structure and function are either unavailable or do not agree on the potential impact of this missense change (SIFT: "Tolerated"; PolyPhen-2: "Probably Damaging"; Align-GVGD: "Class C0"). In summary, the available evidence is currently insufficient to determine the role of this variant in disease. Therefore, it has been classified as a Variant of Uncertain Significance.

NM_001330588.2(TPP2):c.862G>A (p.Gly288Ser)

Gene: TPP2 (tripeptidyl peptidase 2; plus strand). Cytogenetic location: 13q33.1.
Variant type: single nucleotide variant.
Coding change: c.862G>A on transcript NM_001330588.2 (MANE Select); coding-DNA position 862, G replaced by A.
Protein change: p.Gly288Ser; replaces glycine 288 with serine.
Molecular consequence: missense variant. On other transcripts: non-coding transcript variant (1).
Genome position (GRCh38, 1-based): chr13:102,627,089, G>A. VCF-style: chr13-102627089-G-A. GRCh37 (hg19) VCF-style: chr13-103279439-G-A.
Other names: c.862G>A, p.Gly288Ser (NM_001367947.1, NM_003291.4); short protein forms G288S.
Identifiers: ClinVar variation 967340 (VCV000967340.9), dbSNP rs1881678227, ClinGen allele CA388479982.